The following is an entry in ClinVar:

ClinVar aggregate classification (germline): Uncertain significance. Review status: criteria provided, multiple submitters, no conflicts (2 of 4 stars). 2 submissions from 2 submitters: Uncertain significance (2). Last evaluated 2022-04-09.

Conditions:
Combined immunodeficiency due to DOCK8 deficiency (HIES2). Also called: HIES autosomal recessive; Hyper-IgE recurrent infection syndrome, autosomal recessive; HYPER-IgE RECURRENT INFECTION SYNDROME 2, AUTOSOMAL RECESSIVE; HYPER-IgE SYNDROME 2, AUTOSOMAL RECESSIVE, WITH RECURRENT INFECTIONS; DOCK8 Deficiency. Identifiers: Orphanet 217390, MedGen C4722305, MONDO:0009478, OMIM 243700.

Allele frequency attached by ClinVar (database versions not stated): TOPMed 0.00001; ExAC 0.00004.
gnomAD v4.1: 15 of 1,593,042 alleles (0.00094%); highest among the groups gnomAD compares: Non-Finnish European, 0.0013%; no homozygotes.

Submissions (2):

Labcorp Genetics (formerly Invitae), Labcorp
Classification: Uncertain significance for Combined immunodeficiency due to DOCK8 deficiency. Last evaluated: 2022-04-09. Review status: criteria provided, single submitter. Criteria: Invitae Variant Classification Sherloc (09022015). Collection method: clinical testing. Allele origin: germline.
Comment: This sequence change replaces alanine, which is neutral and non-polar, with threonine, which is neutral and polar, at codon 810 of the DOCK8 protein (p.Ala810Thr). The frequency data for this variant in the population databases is considered unreliable, as metrics indicate poor data quality at this position in the gnomAD database. This variant has not been reported in the literature in individuals affected with DOCK8-related conditions. ClinVar contains an entry for this variant (Variation ID: 366865). Algorithms developed to predict the effect of missense changes on protein structure and function are either unavailable or do not agree on the potential impact of this missense change (SIFT: "Deleterious"; PolyPhen-2: "Probably Damaging"; Align-GVGD: "Class C0"). In summary, the available evidence is currently insufficient to determine the role of this variant in disease. Therefore, it has been classified as a Variant of Uncertain Significance.

Illumina Laboratory Services, Illumina
Classification: Uncertain significance for Combined immunodeficiency due to DOCK8 deficiency. Last evaluated: 2018-01-13. Review status: criteria provided, single submitter. Criteria: ICSL Variant Classification Criteria 13 December 2019. Collection method: clinical testing. Allele origin: germline.

NM_203447.4(DOCK8):c.2428G>A (p.Ala810Thr)

Gene: DOCK8 (dedicator of cytokinesis 8; plus strand). Cytogenetic location: 9p24.3.
Variant type: single nucleotide variant.
Coding change: c.2428G>A on transcript NM_203447.4 (MANE Select); coding-DNA position 2428, G replaced by A.
Protein change: p.Ala810Thr; replaces alanine 810 with threonine.
Molecular consequence: missense variant.
Genome position (GRCh38, 1-based): chr9:377,199, G>A. VCF-style: chr9-377199-G-A. GRCh37 (hg19) VCF-style: chr9-377199-G-A.
Other names: c.2224G>A, p.Ala742Thr (NM_001190458.2, NM_001193536.2); short protein forms A810T, A742T.
Identifiers: ClinVar variation 366865 (VCV000366865.6), dbSNP rs752978895, ClinGen allele CA4958187.